The following is an entry in ClinVar:

NM_020921.4(NIN):c.4049C>G (p.Ala1350Gly)

Gene: NIN (ninein; minus strand). Cytogenetic location: 14q22.1.
Variant type: single nucleotide variant.
Coding change: c.4049C>G on transcript NM_020921.4 (MANE Select); coding-DNA position 4049, C replaced by G.
Protein change: p.Ala1350Gly; replaces alanine 1350 with glycine.
Molecular consequence: missense variant. On other transcripts: intron variant (1).
Genome position (GRCh38, 1-based): chr14:50,756,981, G>C on the plus strand (C>G on the coding strand, the complement: NIN is on the minus strand). VCF-style: chr14-50756981-G-C. GRCh37 (hg19) VCF-style: chr14-51223699-G-C.
Other names: c.4049C>G (NM_020921.3); c.4049C>G, p.Ala1350Gly (NM_182944.3, NM_182946.2); c.2400-2114C>G (NM_016350.5); short protein forms A1350G.
Identifiers: ClinVar variation 3674637 (VCV003674637.3).

ClinVar aggregate classification (germline): Uncertain significance. Review status: criteria provided, multiple submitters, no conflicts (2 of 4 stars). 2 submissions from 2 submitters: Uncertain significance (2). Last evaluated 2025-12-10.

gnomAD v4.1: 1 of 1,612,860 alleles (0.000062%); highest among the groups gnomAD compares: Non-Finnish European, 0.000085%; no homozygotes.

Submissions (2):

Ambry Genetics
Classification: Uncertain significance. Last evaluated: 2025-12-10. Review status: criteria provided, single submitter. Criteria: Ambry Variant Classification Scheme 2023. Collection method: clinical testing. Allele origin: germline.

Labcorp Genetics (formerly Invitae), Labcorp
Classification: Uncertain significance. Last evaluated: 2024-05-25. Review status: criteria provided, single submitter. Criteria: Invitae Variant Classification Sherloc (09022015). Collection method: clinical testing. Allele origin: germline.
Comment: This sequence change replaces alanine, which is neutral and non-polar, with glycine, which is neutral and non-polar, at codon 1350 of the NIN protein (p.Ala1350Gly). This variant is not present in population databases (gnomAD no frequency). This variant has not been reported in the literature in individuals affected with NIN-related conditions. Algorithms developed to predict the effect of missense changes on protein structure and function output the following: SIFT: "Not Available"; PolyPhen-2: "Benign"; Align-GVGD: "Not Available". The glycine amino acid residue is found in multiple mammalian species, which suggests that this missense change does not adversely affect protein function. In summary, the available evidence is currently insufficient to determine the role of this variant in disease. Therefore, it has been classified as a Variant of Uncertain Significance.